The following is an entry in ClinVar:

NM_000264.5(PTCH1):c.3452A>G (p.Tyr1151Cys)

Gene: PTCH1 (patched 1; minus strand). Cytogenetic location: 9q22.32.
Variant type: single nucleotide variant.
Coding change: c.3452A>G on transcript NM_000264.5 (MANE Select); coding-DNA position 3452, A replaced by G.
Protein change: p.Tyr1151Cys; replaces tyrosine 1151 with cysteine.
Molecular consequence: missense variant. On other transcripts: non-coding transcript variant (1).
Genome position (GRCh38, 1-based): chr9:95,449,938, T>C on the plus strand (A>G on the coding strand, the complement: PTCH1 is on the minus strand). VCF-style: chr9-95449938-T-C. GRCh37 (hg19) VCF-style: chr9-98212220-T-C.
Other names: c.2999A>G, p.Tyr1000Cys (NM_001083605.3, NM_001083606.3, NM_001083607.3 and 1 more transcripts); c.3296A>G, p.Tyr1099Cys (NM_001354918.2); c.3254A>G, p.Tyr1085Cys (NM_001083602.3); c.3449A>G, p.Tyr1150Cys (NM_001083603.3); short protein forms Y1099C, Y1150C, Y1151C, Y1000C, Y1085C.
Identifiers: ClinVar variation 1359959 (VCV001359959.11), dbSNP rs1838317135, ClinGen allele CA374111629.

ClinVar aggregate classification (germline): Uncertain significance. Review status: criteria provided, multiple submitters, no conflicts (2 of 4 stars). 2 submissions from 2 submitters: Uncertain significance (2). Last evaluated 2024-11-12.

Conditions:
Hereditary cancer-predisposing syndrome. Also called: Hereditary Cancer Syndrome; Hereditary neoplastic syndrome; Tumor predisposition; Neoplastic Syndromes, Hereditary. Identifiers: Orphanet 140162, MedGen C0027672, MeSH D009386, MONDO:0015356.
Gorlin syndrome. Also called: Basal cell nevus syndrome; Nevoid Basal Cell Carcinoma Syndrome. Identifiers: Orphanet 377, MedGen C0004779, MONDO:0007187.

Allele frequency attached by ClinVar (database versions not stated): gnomAD 0.00001.

Submissions (2):

Ambry Genetics
Classification: Uncertain significance for Hereditary cancer-predisposing syndrome. Last evaluated: 2024-11-12. Review status: criteria provided, single submitter. Criteria: Ambry Variant Classification Scheme 2023. Collection method: clinical testing. Allele origin: germline.
Comment: The p.Y1151C variant (also known as c.3452A>G), located in coding exon 21 of the PTCH1 gene, results from an A to G substitution at nucleotide position 3452. The tyrosine at codon 1151 is replaced by cysteine, an amino acid with highly dissimilar properties. This amino acid position is conserved. In addition, this alteration is predicted to be deleterious by in silico analysis. Based on the available evidence, the clinical significance of this variant remains unclear.

Labcorp Genetics (formerly Invitae), Labcorp
Classification: Uncertain significance for Gorlin syndrome. Last evaluated: 2024-09-17. Review status: criteria provided, single submitter. Criteria: Invitae Variant Classification Sherloc (09022015). Collection method: clinical testing. Allele origin: germline.
Comment: This sequence change replaces tyrosine, which is neutral and polar, with cysteine, which is neutral and slightly polar, at codon 1151 of the PTCH1 protein (p.Tyr1151Cys). This variant is not present in population databases (gnomAD no frequency). This variant has not been reported in the literature in individuals affected with PTCH1-related conditions. ClinVar contains an entry for this variant (Variation ID: 1359959). An algorithm developed to predict the effect of missense changes on protein structure and function (PolyPhen-2) suggests that this variant is likely to be disruptive. In summary, the available evidence is currently insufficient to determine the role of this variant in disease. Therefore, it has been classified as a Variant of Uncertain Significance.